The following is an entry in ClinVar:

NM_000094.4(COL7A1):c.1484C>G (p.Thr495Ser)

Gene: COL7A1 (collagen type VII alpha 1 chain; minus strand). Cytogenetic location: 3p21.31.
Variant type: single nucleotide variant.
Coding change: c.1484C>G on transcript NM_000094.4 (MANE Select); coding-DNA position 1484, C replaced by G.
Protein change: p.Thr495Ser; replaces threonine 495 with serine.
Molecular consequence: missense variant.
Genome position (GRCh38, 1-based): chr3:48,591,696, G>C on the plus strand (C>G on the coding strand, the complement: COL7A1 is on the minus strand). VCF-style: chr3-48591696-G-C. GRCh37 (hg19) VCF-style: chr3-48629129-G-C.
Other names: short protein forms T495S.
Identifiers: ClinVar variation 3635686 (VCV003635686.2).

ClinVar aggregate classification (germline): Uncertain significance (1 of 4 stars; one submission).

Submission:

Labcorp Genetics (formerly Invitae), Labcorp
Classification: Uncertain significance. Last evaluated: 2025-01-29. Review status: criteria provided, single submitter. Criteria: Invitae Variant Classification Sherloc (09022015). Collection method: clinical testing. Allele origin: germline.
Comment: This sequence change replaces threonine, which is neutral and polar, with serine, which is neutral and polar, at codon 495 of the COL7A1 protein (p.Thr495Ser). This variant is not present in population databases (gnomAD no frequency). This variant has not been reported in the literature in individuals affected with COL7A1-related conditions. Invitae Evidence Modeling of protein sequence and biophysical properties (such as structural, functional, and spatial information, amino acid conservation, physicochemical variation, residue mobility, and thermodynamic stability) indicates that this missense variant is not expected to disrupt COL7A1 protein function with a negative predictive value of 95%. In summary, the available evidence is currently insufficient to determine the role of this variant in disease. Therefore, it has been classified as a Variant of Uncertain Significance.